The following is an entry in ClinVar:

ClinVar aggregate classification (germline): Likely pathogenic (1 of 4 stars; one submission).

Submission:

Labcorp Genetics (formerly Invitae), Labcorp
Classification: Likely pathogenic. Last evaluated: 2022-05-12. Review status: criteria provided, single submitter. Criteria: Invitae Variant Classification Sherloc (09022015). Collection method: clinical testing. Allele origin: germline.
Comment: In summary, the currently available evidence indicates that the variant is pathogenic, but additional data are needed to prove that conclusively. Therefore, this variant has been classified as Likely Pathogenic. Algorithms developed to predict the effect of sequence changes on RNA splicing suggest that this variant may disrupt the consensus splice site. This variant has not been reported in the literature in individuals affected with POLE-related conditions. This variant is not present in population databases (gnomAD no frequency). This sequence change affects a donor splice site in intron 26 of the POLE gene. It is expected to disrupt RNA splicing. Variants that disrupt the donor or acceptor splice site typically lead to a loss of protein function (PMID: 16199547), and loss-of-function variants in POLE are known to be pathogenic (PMID: 23230001, 25948378, 30503519).

Literature cited by the submitters: PubMed 16199547; PubMed 23230001; PubMed 25948378; PubMed 30503519.

NM_006231.4(POLE):c.3275+2T>C

Gene: POLE (DNA polymerase epsilon, catalytic subunit; minus strand). Cytogenetic location: 12q24.33.
Variant type: single nucleotide variant.
Coding change: c.3275+2T>C on transcript NM_006231.4 (MANE Select); the canonical splice donor site of the intron after coding-DNA position 3275, T replaced by C.
Molecular consequence: splice donor variant.
Genome position (GRCh38, 1-based): chr12:132,659,293, A>G on the plus strand (T>C on the coding strand, the complement: POLE is on the minus strand). VCF-style: chr12-132659293-A-G. GRCh37 (hg19) VCF-style: chr12-133235879-A-G.
Identifiers: ClinVar variation 1446340 (VCV001446340.8), dbSNP rs2138673866, ClinGen allele CA387390159.